The following is an entry in ClinVar:

NM_001089.3(ABCA3):c.4906C>G (p.Pro1636Ala)

Gene: ABCA3 (ATP binding cassette subfamily A member 3; minus strand). Cytogenetic location: 16p13.3.
Variant type: single nucleotide variant.
Coding change: c.4906C>G on transcript NM_001089.3 (MANE Select); coding-DNA position 4906, C replaced by G.
Protein change: p.Pro1636Ala; replaces proline 1636 with alanine.
Molecular consequence: missense variant.
Genome position (GRCh38, 1-based): chr16:2,277,882, G>C on the plus strand (C>G on the coding strand, the complement: ABCA3 is on the minus strand). VCF-style: chr16-2277882-G-C. GRCh37 (hg19) VCF-style: chr16-2327883-G-C.
Other names: short protein forms P1636A.
Identifiers: ClinVar variation 2468459 (VCV002468459.5), dbSNP rs939566057, ClinGen allele CA276820613.

ClinVar aggregate classification (germline): Uncertain significance. Review status: criteria provided, multiple submitters, no conflicts (2 of 4 stars). 3 submissions from 3 submitters: Uncertain significance (2). 1 of the submissions does not count toward it. Last evaluated 2024-04-23.

Conditions:
Hereditary pulmonary alveolar proteinosis. Also called: Pulmonary surfactant metabolism dysfunction. Identifiers: Orphanet 264675, MedGen C3711368, MONDO:0012580.
ABCA3-related disorder. Also called: ABCA3-related condition.

Allele frequency attached by ClinVar (database versions not stated): gnomAD exomes 0.00001; TOPMed 0.00002; gnomAD 0.00004.
gnomAD v4.1: 15 of 1,608,840 alleles (0.00093%); highest among the groups gnomAD compares: African/African-American, 0.0013%; no homozygotes.

Submissions (3):

Blueprint Genetics
Classification: Uncertain significance. Last evaluated: 2024-04-23. Review status: criteria provided, single submitter. Criteria: ACMG Guidelines, 2015. Collection method: clinical testing. Allele origin: germline.

Ambry Genetics
Classification: Uncertain significance for Hereditary pulmonary alveolar proteinosis. Last evaluated: 2023-01-10. Review status: criteria provided, single submitter. Criteria: Ambry Variant Classification Scheme 2023. Collection method: clinical testing. Allele origin: germline.

PreventionGenetics, part of Exact Sciences
Classification: Uncertain significance for ABCA3-related condition. Last evaluated: 2023-12-11. Review status: no assertion criteria provided. Collection method: clinical testing. Allele origin: germline. Not counted in ClinVar's aggregate classification.
Comment: The ABCA3 c.4906C>G variant is predicted to result in the amino acid substitution p.Pro1636Ala. To our knowledge, this variant has not been reported in the literature. This variant is reported in 0.0024% of alleles in individuals of European (Non-Finnish) descent in gnomAD. At this time, the clinical significance of this variant is uncertain due to the absence of conclusive functional and genetic evidence.